The following is an entry in ClinVar:

NM_001148.6(ANK2):c.3752T>C (p.Phe1251Ser)

Gene: ANK2 (ankyrin 2; plus strand). Cytogenetic location: 4q26.
Variant type: single nucleotide variant.
Coding change: c.3752T>C on transcript NM_001148.6 (MANE Select); coding-DNA position 3752, T replaced by C.
Protein change: p.Phe1251Ser; replaces phenylalanine 1251 with serine.
Molecular consequence: missense variant.
Genome position (GRCh38, 1-based): chr4:113,336,737, T>C. VCF-style: chr4-113336737-T-C. GRCh37 (hg19) VCF-style: chr4-114257893-T-C.
Other names: c.152T>C, p.Phe51Ser (NM_001386167.1, NM_001386166.1); c.3893T>C, p.Phe1298Ser (NM_001386174.1); c.3869T>C, p.Phe1290Ser (NM_001386175.1); c.3737T>C, p.Phe1246Ser (NM_001386186.2, NM_001386148.2); c.3617T>C, p.Phe1206Ser (NM_001386187.2); c.3752T>C, p.Phe1251Ser (NM_020977.5); c.3725T>C, p.Phe1242Ser (NM_001127493.3); c.3764T>C, p.Phe1255Ser (NM_001354225.2); and 31 more; short protein forms F1176S, F1184S, F1208S, F1229S, F1246S, F1263S, F1266S, F434S.
Identifiers: ClinVar variation 4613577 (VCV004613577.1).

ClinVar aggregate classification (germline): Uncertain significance (1 of 4 stars; one submission).

Conditions:
Cardiovascular phenotype. Identifiers: MedGen CN230736.

Submission:

Ambry Genetics
Classification: Uncertain significance for Cardiovascular phenotype. Last evaluated: 2025-12-07. Review status: criteria provided, single submitter. Criteria: Ambry Variant Classification Scheme 2023. Collection method: clinical testing. Allele origin: germline.
Comment: The p.F1251S variant (also known as c.3752T>C), located in coding exon 31 of the ANK2 gene, results from a T to C substitution at nucleotide position 3752. The phenylalanine at codon 1251 is replaced by serine, an amino acid with highly dissimilar properties. This amino acid position is conserved. In addition, the in silico prediction for this alteration is inconclusive. Based on the available evidence, the clinical significance of this variant remains unclear.